The following is an entry in ClinVar:

NM_001368894.2(PAX6):c.301del (p.Lys100_Ile101insTer)

Gene: PAX6 (paired box 6; minus strand). Cytogenetic location: 11p13.
Variant type: Deletion.
Coding change: c.301del on transcript NM_001368894.2 (MANE Select); coding-DNA position 301, one base deleted (A; older notation c.301delA).
Protein change: p.Lys100_Ile101insTer.
Molecular consequence: nonsense. On other transcripts: non-coding transcript variant (2), intron variant (8), 5 prime UTR variant (14).
Genome position (GRCh38, 1-based): chr11:31,801,659, T deleted on the plus strand (A on the coding strand, the reverse complement: PAX6 is on the minus strand); the first of 4 consecutive T bases (chr11:31,801,659-31,801,662); deleting any one gives the same sequence. VCF-style (leftmost placement, unchanged base first): chr11-31801658-AT-A. GRCh37 (hg19) VCF-style: chr11-31823206-AT-A.
Other names: c.198+103del (NM_001368921.2, NM_001368923.2, NM_001368926.2 and 4 more transcripts); c.156+103del (NM_001368928.2); c.259del, p.Lys86_Ile87insTer (NM_000280.6, NM_001127612.3, NM_001258464.2 and 10 more transcripts); c.301del, p.Lys100_Ile101insTer (NM_001258462.3, NM_001258463.2, NM_001310158.2 and 6 more transcripts); c.-481del (NM_001310160.2, NM_001368902.2, NM_001368905.2); c.-150del (NM_001310161.3, NM_001368899.2, NM_001368900.2 and 8 more transcripts); c.502del, p.Lys167_Ile168insTer (NM_001368910.2); c.304del, p.Lys101_Ile102insTer (NM_001368911.2); and 2 more.
Identifiers: ClinVar variation 800416 (VCV000800416.6), dbSNP rs1592544327, ClinGen allele CA915948069.

ClinVar aggregate classification (germline): Pathogenic. Review status: criteria provided, single submitter (1 of 4 stars). 2 submissions from 2 submitters: Pathogenic (1). 1 of the submissions does not count toward it. Last evaluated 2021-02-09.

Conditions:
Aniridia 1 (AN1). Identifiers: Orphanet 250923, MedGen C0344542, MONDO:0024507, OMIM 106210.

Submissions (2):

Greenwood Genetic Center Diagnostic Laboratories, Greenwood Genetic Center
Classification: Pathogenic. Last evaluated: 2021-02-09. Review status: criteria provided, single submitter. Criteria: ACMG Guidelines, 2015. Collection method: clinical testing. Allele origin: germline. Affected: yes.
Comment: PVS1, PS4_Supporting, PM2

Wessex Regional Genetics Laboratory, Salisbury District Hospital
Classification: Pathogenic for Aniridia 1. Last evaluated: 2019-08-15. Review status: no assertion criteria provided. Criteria: ACMG Guidelines, 2015. Collection method: clinical testing. Allele origin: unknown. Inheritance: Autosomal dominant inheritance. Affected: yes. Not counted in ClinVar's aggregate classification.